The following is an entry in ClinVar:

NM_001999.4(FBN2):c.489C>G (p.His163Gln)

Gene: FBN2 (fibrillin 2; minus strand). Cytogenetic location: 5q23.3.
Variant type: single nucleotide variant.
Coding change: c.489C>G on transcript NM_001999.4 (MANE Select); coding-DNA position 489, C replaced by G.
Protein change: p.His163Gln; replaces histidine 163 with glutamine.
Molecular consequence: missense variant.
Genome position (GRCh38, 1-based): chr5:128,527,915, G>C on the plus strand (C>G on the coding strand, the complement: FBN2 is on the minus strand). VCF-style: chr5-128527915-G-C. GRCh37 (hg19) VCF-style: chr5-127863608-G-C.
Other names: short protein forms H163Q.
Identifiers: ClinVar variation 1699061 (VCV001699061.3), dbSNP rs2112798145, ClinGen allele CA360758564.

ClinVar aggregate classification (germline): Uncertain significance (1 of 4 stars; one submission).

Conditions:
Congenital contractural arachnodactyly (CCA). Also called: BEALS SYNDROME; Beals-Hecht syndrome; Arthrogryposis, distal, type 9. Identifiers: Orphanet 115, MedGen C0220668, MONDO:0007363, OMIM 121050.

Submission:

Victorian Clinical Genetics Services, Murdoch Childrens Research Institute
Classification: Uncertain significance for Congenital contractural arachnodactyly. Last evaluated: 2022-02-02. Review status: criteria provided, single submitter. Criteria: ACMG Guidelines, 2015. Collection method: clinical testing. Allele origin: germline. Inheritance: Autosomal dominant inheritance. Affected: yes.
Comment: Based on the classification scheme VCGS_Germline_v1.3.4, this variant is classified as VUS-3B. Following criteria are met: 0105 - The mechanism of disease for this gene is not clearly established. However, dominant negative is a likely mechanism of disease (PMID: 31316167). (I) 0107 - This gene is associated with autosomal dominant disease. There are also rare reports of a severe form of congenital contractural arachnodactyly due to biallelic variants (PMID: 33571691). (I) 0115 - Variants in this gene are known to have variable expressivity. Intra- and inter-familial variability is well-reported for this gene (GeneReviews). (I) 0200 - Variant is predicted to result in a missense amino acid change from histidine to glutamine. (I) 0251 - This variant is heterozygous. (I) 0301 - Variant is absent from gnomAD (both v2 and v3). (SP) 0309 - Two alternative amino acid changes at the same position has been observed in gnomAD (v2) (p.(His163Arg): 3 heterozygotes, 0 homozygotes); (p.(His163Leu): 1 heterozygotes, 0 homozygotes). (I) 0502 - Missense variant with conflicting in silico predictions and uninformative conservation. (I) 0604 - Variant is not located in an established domain, motif, hotspot or informative constraint region. (I) 0710 - Another missense variant comparable to the one identified in this case has inconclusive previous evidence for pathogenicity. The p.(His163Arg) variant has been classified as a VUS by clinical diagnostic laboratories (ClinVar). (I) 0807 - This variant has no previous evidence of pathogenicity. (I) 0905 - No published segregation evidence has been identified for this variant. (I) 1007 - No published functional evidence has been identified for this variant. (I) 1208 - Inheritance information for this variant is not currently available in this individual. (I) Legend: (SP) - Supporting pathogenic, (I) - Information, (SB) - Supporting benign

Literature cited by the submitters: PubMed 31316167; PubMed 33571691.